The following is an entry in ClinVar:

NM_014249.4(NR2E3):c.119-27_119-12del

Gene: NR2E3 (nuclear receptor subfamily 2 group E member 3; plus strand). Cytogenetic location: 15q23.
Variant type: Deletion.
Coding change: c.119-27_119-12del on transcript NM_014249.4 (MANE Select); 27 bases into the intron before coding-DNA position 119 through 12 bases into the intron before coding-DNA position 119, 16 bases deleted (GGCCCAGCCCTGCCCC).
Molecular consequence: intron variant.
Genome position (GRCh38, 1-based): chr15:71,811,456-71,811,471, GGCCCAGCCCTGCCCC deleted. VCF-style (leftmost placement, unchanged base first): chr15-71811455-TGGCCCAGCCCTGCCCC-T. GRCh37 (hg19) VCF-style: chr15-72103795-TGGCCCAGCCCTGCCCC-T.
Other names: c.119-27_119-12del (NM_016346.4).
Identifiers: ClinVar variation 5004161 (VCV005004161.1).

ClinVar aggregate classification (germline): Uncertain significance (1 of 4 stars; one submission).

Conditions:
ENHANCED S-CONE SYNDROME 1 (ESCS1). Also called: RETINOSCHISIS WITH EARLY HEMERALOPIA; FAVRE HYALOIDEORETINAL DEGENERATION. Identifiers: MedGen CN380299, OMIM 268100.

Submission:

Myriad Genetics, Inc.
Classification: Uncertain significance for ENHANCED S-CONE SYNDROME 1. Last evaluated: 2026-03-31. Review status: criteria provided, single submitter. Criteria: Myriad Autosomal Dominant, Autosomal Recessive and X-Linked Classification Criteria (2023). Collection method: clinical testing. Allele origin: unknown.
Comment: NM_014249.2(NR2E3):c.119-27_119-12del16 is an intronic variant classified as a variant of uncertain significance in the context of enhanced S-cone syndrome. c.119-27_119-12del16 has been observed in a case with relevant disease (PMID: 17564971). Relevant functional assessments of this variant are not available in the literature. c.119-27_119-12del16 has not been observed in referenced population frequency databases. In summary, there is insufficient evidence to classify NM_014249.2(NR2E3):c.119-27_119-12del16 as pathogenic or benign. Please note: this variant was assessed in the context of healthy population screening.

Literature cited by the submitters: PubMed 17564971.